The following is an entry in ClinVar:

NM_000257.4(MYH7):c.415G>C (p.Val139Leu)

Gene: MYH7 (myosin heavy chain 7; minus strand). Cytogenetic location: 14q11.2.
Variant type: single nucleotide variant.
Coding change: c.415G>C on transcript NM_000257.4 (MANE Select); coding-DNA position 415, G replaced by C.
Protein change: p.Val139Leu; replaces valine 139 with leucine.
Molecular consequence: missense variant.
Genome position (GRCh38, 1-based): chr14:23,432,726, C>G on the plus strand (G>C on the coding strand, the complement: MYH7 is on the minus strand). VCF-style: chr14-23432726-C-G. GRCh37 (hg19) VCF-style: chr14-23901935-C-G.
Other names: c.415G>C, p.Val139Leu (NM_001407004.1); short protein forms V139L.
Identifiers: ClinVar variation 2840901 (VCV002840901.4), dbSNP rs2138684666, ClinGen allele CA389052862.

ClinVar aggregate classification (germline): Conflicting classifications of pathogenicity. Review status: criteria provided, conflicting classifications (1 of 4 stars). 2 submissions from 2 submitters: Pathogenic (1); Uncertain significance (1). Last evaluated 2026-03-19.

Conditions:
Hypertrophic cardiomyopathy. Also called: HYPERTROPHIC MYOCARDIOPATHY. Identifiers: Orphanet 217569, MedGen C0007194, MeSH D002312, MONDO:0005045, HP:0001639.

Submissions (2):

GeneDx
Classification: Uncertain significance. Last evaluated: 2026-03-19. Review status: criteria provided, single submitter. Criteria: GeneDx Variant Classification Process June 2021. Collection method: clinical testing. Allele origin: germline.
Comment: Not observed at significant frequency in large population cohorts (gnomAD); In silico analysis suggests that this missense variant does not alter protein structure/function; Has not been previously published as pathogenic or benign to our knowledge; Located in the myosin motor domain, a region enriched with missense variants reported in association with HCM (PMID: 27532257, 29300372); This variant is associated with the following publications: (PMID: 27532257, 29300372)

Labcorp Genetics (formerly Invitae), Labcorp
Classification: Pathogenic for Hypertrophic cardiomyopathy. Last evaluated: 2023-03-09. Review status: criteria provided, single submitter. Criteria: Invitae Variant Classification Sherloc (09022015). Collection method: clinical testing. Allele origin: germline.
Comment: This variant is not present in population databases (gnomAD no frequency). This sequence change replaces valine, which is neutral and non-polar, with leucine, which is neutral and non-polar, at codon 139 of the MYH7 protein (p.Val139Leu). A different variant (c.415G>T) giving rise to the same protein effect has been determined to be pathogenic (PMID: 23785128). This suggests that this variant is also likely to be causative of disease. Advanced modeling of protein sequence and biophysical properties (such as structural, functional, and spatial information, amino acid conservation, physicochemical variation, residue mobility, and thermodynamic stability) performed at Invitae indicates that this missense variant is expected to disrupt MYH7 protein function. For these reasons, this variant has been classified as Pathogenic.

Literature cited by the submitters: PubMed 23785128 (cited by Labcorp Genetics (formerly Invitae), Labcorp).